The following is an entry in ClinVar:

NM_032043.3(BRIP1):c.2493-18T>C

Gene: BRIP1 (BRCA1 interacting DNA helicase 1; minus strand). Cytogenetic location: 17q23.2.
Variant type: single nucleotide variant.
Coding change: c.2493-18T>C on transcript NM_032043.3 (MANE Select); 18 bases into the intron before coding-DNA position 2493, T replaced by C.
Molecular consequence: intron variant.
Genome position (GRCh38, 1-based): chr17:61,693,530, A>G on the plus strand (T>C on the coding strand, the complement: BRIP1 is on the minus strand). VCF-style: chr17-61693530-A-G. GRCh37 (hg19) VCF-style: chr17-59770891-A-G.
Identifiers: ClinVar variation 3378617 (VCV003378617.2).

ClinVar aggregate classification (germline): Likely benign. Review status: criteria provided, multiple submitters, no conflicts (2 of 4 stars). 2 submissions from 2 submitters: Likely benign (2). Last evaluated 2025-09-29.

Conditions:
Fanconi anemia complementation group J. Also called: BRIP1-Related Fanconi Anemia. Identifiers: Orphanet 84, MedGen C1836860, MONDO:0012187, OMIM 609054.
Familial cancer of breast. Also called: hereditary breast carcinoma; BREAST CANCER, FAMILIAL; Hereditary breast cancer. Identifiers: Orphanet 227535, MedGen C0346153, MONDO:0016419, OMIM 114480. Disease mechanism: loss of function.

Submissions (2):

Labcorp Genetics (formerly Invitae), Labcorp
Classification: Likely benign for Familial cancer of breast; Fanconi anemia complementation group J. Last evaluated: 2025-09-29. Review status: criteria provided, single submitter. Criteria: Invitae Variant Classification Sherloc (09022015). Collection method: clinical testing. Allele origin: germline.

Myriad Genetics, Inc.
Classification: Likely benign for Familial cancer of breast. Last evaluated: 2024-09-05. Review status: criteria provided, single submitter. Criteria: Myriad Autosomal Dominant, Autosomal Recessive and X-Linked Classification Criteria (2023). Collection method: clinical testing. Allele origin: unknown.
Comment: This variant is considered likely benign. This variant is intronic and is not expected to impact mRNA splicing.